The following is an entry in ClinVar:

NM_000219.6(KCNE1):c.314C>T (p.Ser105Leu)

Gene: KCNE1 (potassium voltage-gated channel subfamily E regulatory subunit 1; minus strand). Cytogenetic location: 21q22.12.
Variant type: single nucleotide variant.
Coding change: c.314C>T on transcript NM_000219.6 (MANE Select); coding-DNA position 314, C replaced by T.
Protein change: p.Ser105Leu; replaces serine 105 with leucine.
Molecular consequence: missense variant.
Genome position (GRCh38, 1-based): chr21:34,449,321, G>A on the plus strand (C>T on the coding strand, the complement: KCNE1 is on the minus strand). VCF-style: chr21-34449321-G-A. GRCh37 (hg19) VCF-style: chr21-35821619-G-A.
Other names: c.314C>T, p.Ser105Leu (NM_001127668.4, NM_001127669.4, NM_001127670.4 and 4 more transcripts); short protein forms S105L.
Identifiers: ClinVar variation 847523 (VCV000847523.24), dbSNP rs780041404, ClinGen allele CA320425144.

ClinVar aggregate classification (germline): Conflicting classifications of pathogenicity. Review status: criteria provided, conflicting classifications (1 of 4 stars). 4 submissions from 4 submitters: Uncertain significance (2); Likely benign (2). Last evaluated 2026-01-26.

Conditions:
Long QT syndrome (LQTS). Identifiers: MedGen C0023976, MeSH D008133, MONDO:0002442. Disease mechanism: loss of function. Inheritance: Various modes of inheritance.
Cardiovascular phenotype. Identifiers: MedGen CN230736.

Allele frequency attached by ClinVar (database versions not stated): gnomAD 0.00002; TOPMed 0.00003; gnomAD exomes 0.00005; ExAC 0.00009.

Submissions (5):

Labcorp Genetics (formerly Invitae), Labcorp
Classification: Likely benign for Long QT syndrome. Last evaluated: 2026-01-26. Review status: criteria provided, single submitter. Criteria: Invitae Variant Classification Sherloc (09022015). Collection method: clinical testing. Allele origin: germline.

Ambry Genetics
Classification: Likely benign for Cardiovascular phenotype. Last evaluated: 2023-10-11. Review status: criteria provided, single submitter. Criteria: Ambry Variant Classification Scheme 2023. Collection method: clinical testing. Allele origin: germline.

GeneDx
Classification: Uncertain significance. Last evaluated: 2023-07-25. Review status: criteria provided, single submitter. Criteria: GeneDx Variant Classification Process June 2021. Collection method: clinical testing. Allele origin: germline. Affected: yes.
Comment: In silico analysis supports that this missense variant does not alter protein structure/function; Identified in patients/families with LQTS or cardiomyopathy who also carried variants in other cardiovascular disease-associated genes (Lopes et al., 2013; Boles et al., 2017; Mellor et al., 2017; Asatryan et al., 2019); This variant is associated with the following publications: (PMID: 25351510, 30975432, 28600387, 23396983, 28616568)

ARUP Laboratories, Molecular Genetics and Genomics, ARUP Laboratories
Classification: Uncertain significance. Last evaluated: 2020-03-12. Review status: criteria provided, single submitter. Criteria: ARUP Molecular Germline Variant Investigation Process. Collection method: clinical testing. Allele origin: germline.
Comment: The KCNE1 c.314C>T; p.Ser105Leu variant (rs780041404) is reported in the literature in an individual from a large cardiomyopathy cohort without clear association with disease (Lopes 2013), and in a family affected with long QT syndrome who also carry a variant in the CACNA1C gene (Boles 2017). This variant is found in the general population with an overall allele frequency of 0.001% (26/251348 alleles) in the Genome Aggregation Database. The serine at codon 105 is weakly conserved, and computational analyses (SIFT, PolyPhen-2) predict that this variant is tolerated. Due to limited information, the clinical significance of the p.Ser105Leu variant is uncertain at this time. References: Boles U et al. Clinical evaluation of R860Q semi-conservative amino acid substitution in CACNA1C gene in association with long QT syndrome. Int J Cardiol Heart Vasc. 2017 Apr 10;15:21-23. Lopes LR et al. Genetic complexity in hypertrophic cardiomyopathy revealed by high-throughput sequencing. J Med Genet. 2013 Apr;50(4):228-39.

Roden Lab, Vanderbilt University Medical Center
No classification provided (evidence only). Condition: Long QT syndrome 5. Review status: no classification provided. Collection method: in vitro. Allele origin: not applicable. Functional consequence: Effect on ion channel function. Not counted in ClinVar's aggregate classification.
ClinVar note: "not provided" was previously submitted as the classification for the variant. However, the classification appeared to be based only on an observation of functional data so it was converted to no classification on 2025-07-30.

Literature cited by the submitters: PubMed 23396983 (cited by Ambry Genetics); PubMed 25351510 (cited by Ambry Genetics); PubMed 28600387 (cited by Ambry Genetics); PubMed 28616568 (cited by Ambry Genetics); PubMed 30975432 (cited by Ambry Genetics).